The following is an entry in ClinVar:

NM_004608.4(TBX6):c.424G>A (p.Asp142Asn)

Gene: TBX6 (T-box transcription factor 6; minus strand). Cytogenetic location: 16p11.2.
Variant type: single nucleotide variant.
Coding change: c.424G>A on transcript NM_004608.4 (MANE Select); coding-DNA position 424, G replaced by A.
Protein change: p.Asp142Asn; replaces aspartic acid 142 with asparagine.
Molecular consequence: missense variant.
Genome position (GRCh38, 1-based): chr16:30,089,140, C>T on the plus strand (G>A on the coding strand, the complement: TBX6 is on the minus strand). VCF-style: chr16-30089140-C-T. GRCh37 (hg19) VCF-style: chr16-30100461-C-T.
Other names: short protein forms D142N.
Identifiers: ClinVar variation 4772071 (VCV004772071.1).
Genomic context (GRCh38, chr16:30,089,140, plus strand): 5'-CGCTGGGCTCCCAGCGCCGGCCCTGCCAGCGGTAGCGAGCCCCATCCACCGGAATCACAT[C>T]CAGAAGAAACAAGTAGCGGGCCTCGGGGTCCAGGCCAGTGACTGACACTCGGCAGGCAGG-3'
Protein context (NP_004599.2, residues 132-152): DPEARYLFLL[Asp142Asn]VIPVDGARYR

ClinVar aggregate classification (germline): Uncertain significance (1 of 4 stars; one submission).

Submission:

Labcorp Genetics (formerly Invitae), Labcorp
Classification: Uncertain significance. Last evaluated: 2025-04-14. Review status: criteria provided, single submitter. Criteria: Invitae Variant Classification Sherloc (09022015). Collection method: clinical testing. Allele origin: germline.
Comment: This sequence change replaces aspartic acid, which is acidic and polar, with asparagine, which is neutral and polar, at codon 142 of the TBX6 protein (p.Asp142Asn). This variant is not present in population databases (gnomAD no frequency). This variant has not been reported in the literature in individuals affected with TBX6-related conditions. Invitae Evidence Modeling of protein sequence and biophysical properties (such as structural, functional, and spatial information, amino acid conservation, physicochemical variation, residue mobility, and thermodynamic stability) indicates that this missense variant is expected to disrupt TBX6 protein function with a positive predictive value of 80%. In summary, the available evidence is currently insufficient to determine the role of this variant in disease. Therefore, it has been classified as a Variant of Uncertain Significance.